The following is an entry in ClinVar:

ClinVar aggregate classification (germline): Conflicting classifications of pathogenicity. Review status: criteria provided, conflicting classifications (1 of 4 stars). 5 submissions from 5 submitters: Uncertain significance (1); Likely benign (4). Last evaluated 2026-01-30.

Conditions:
MYO18B-related disorder. Also called: MYO18B-related condition.
Klippel-Feil anomaly-myopathy-facial dysmorphism syndrome. Also called: Klippel-feil syndrome 4, autosomal recessive, with nemaline myopathy and facial dysmorphism; Klippel-Feil syndrome 4, autosomal recessive, with myopathy and facial dysmorphism. Identifiers: Orphanet 447974, MedGen C4225285, MONDO:0014689, OMIM 616549.

Allele frequency attached by ClinVar (database versions not stated): TOPMed 0.00001; gnomAD 0.00006; gnomAD exomes 0.00015 and 0.00038; ExAC 0.00045; 1000 Genomes Project 0.00060; 1000 Genomes Project 30x 0.00109.
gnomAD v4.1: 232 of 1,603,202 alleles (0.014%); highest among the groups gnomAD compares: South Asian, 0.23%; 5 homozygotes.

Submissions (5):

PreventionGenetics, part of Exact Sciences
Classification: Likely benign for MYO18B-related condition. Last evaluated: 2026-01-30. Review status: criteria provided, single submitter. Criteria: ACMG Guidelines, 2015. Collection method: clinical testing. Allele origin: germline.
Comment: This variant is classified as likely benign based on ACMG/AMP sequence variant interpretation guidelines (Richards et al. 2015 PMID: 25741868, with internal and published modifications).

Labcorp Genetics (formerly Invitae), Labcorp
Classification: Likely benign. Last evaluated: 2025-12-03. Review status: criteria provided, single submitter. Criteria: Invitae Variant Classification Sherloc (09022015). Collection method: clinical testing. Allele origin: germline.

CeGaT Center for Human Genetics Tuebingen
Classification: Likely benign. Last evaluated: 2025-05-01. Review status: criteria provided, single submitter. Criteria: CeGaT Center For Human Genetics Tuebingen Variant Classification Criteria Version 2. Collection method: clinical testing. Allele origin: germline. Affected: yes. Observed: 1 variant allele.
Comment: MYO18B: BP4, BS2

Blueprint Genetics
Classification: Likely benign. Last evaluated: 2024-10-30. Review status: criteria provided, single submitter. Criteria: ACMG Guidelines, 2015. Collection method: clinical testing. Allele origin: germline.

Revvity Omics, Revvity
Classification: Uncertain significance for Klippel-Feil anomaly-myopathy-facial dysmorphism syndrome. Last evaluated: 2024-05-13. Review status: criteria provided, single submitter. Criteria: ACMG Guidelines, 2015. Collection method: clinical testing. Allele origin: germline.

NM_032608.7(MYO18B):c.2050G>C (p.Val684Leu)

Gene: MYO18B (myosin XVIIIB; plus strand). Cytogenetic location: 22q12.1.
Variant type: single nucleotide variant.
Coding change: c.2050G>C on transcript NM_032608.7 (MANE Select); coding-DNA position 2050, G replaced by C.
Protein change: p.Val684Leu; replaces valine 684 with leucine.
Molecular consequence: missense variant.
Genome position (GRCh38, 1-based): chr22:25,777,763, G>C. VCF-style: chr22-25777763-G-C. GRCh37 (hg19) VCF-style: chr22-26173730-G-C.
Other names: c.2050G>C, p.Val684Leu (NM_001318245.2); c.2050G>C (NM_032608.6); short protein forms V684L.
Identifiers: ClinVar variation 1550019 (VCV001550019.21), dbSNP rs560599895, ClinGen allele CA10160029.